The following is an entry in ClinVar:

NM_001242896.3(DEPDC5):c.1820C>T (p.Pro607Leu)

Gene: DEPDC5 (DEP domain containing 5, GATOR1 subcomplex subunit; plus strand). Cytogenetic location: 22q12.3.
Variant type: single nucleotide variant.
Coding change: c.1820C>T on transcript NM_001242896.3 (MANE Select); coding-DNA position 1820, C replaced by T.
Protein change: p.Pro607Leu; replaces proline 607 with leucine.
Molecular consequence: missense variant. On other transcripts: non-coding transcript variant (5).
Genome position (GRCh38, 1-based): chr22:31,819,175, C>T. VCF-style: chr22-31819175-C-T. GRCh37 (hg19) VCF-style: chr22-32215161-C-T.
Other names: c.1820C>T, p.Pro607Leu (NM_001136029.4, NM_001242897.2, NM_001363852.2 and 6 more transcripts); c.1736C>T, p.Pro579Leu (NM_001369901.1, NM_001369902.1); short protein forms P579L, P607L.
Identifiers: ClinVar variation 5017296 (VCV005017296.1).

ClinVar aggregate classification (germline): Uncertain significance (1 of 4 stars; one submission).

Submission:

GeneDx
Classification: Uncertain significance. Last evaluated: 2026-03-23. Review status: criteria provided, single submitter. Criteria: GeneDx Variant Classification Process June 2021. Collection method: clinical testing. Allele origin: germline.
Comment: Not observed at significant frequency in large population cohorts (gnomAD); In silico analysis supports that this missense variant has a deleterious effect on protein structure/function; Has not been previously published as pathogenic or benign to our knowledge